The following is an entry in ClinVar:

ClinVar aggregate classification (germline): Likely benign (1 of 4 stars; one submission).

Conditions:
TULP3-related condition.

Submission:

PreventionGenetics, part of Exact Sciences
Classification: Likely benign for TULP3-related condition. Last evaluated: 2026-01-26. Review status: criteria provided, single submitter. Criteria: ACMG Guidelines, 2015. Collection method: clinical testing. Allele origin: germline.
Comment: This variant is classified as likely benign based on ACMG/AMP sequence variant interpretation guidelines (Richards et al. 2015 PMID: 25741868, with internal and published modifications).

NM_003324.5(TULP3):c.883G>A (p.Gly295Arg)

Gene: TULP3 (TUB like protein 3; plus strand). Cytogenetic location: 12p13.33.
Variant type: single nucleotide variant.
Coding change: c.883G>A on transcript NM_003324.5 (MANE Select); coding-DNA position 883, G replaced by A.
Protein change: p.Gly295Arg; replaces glycine 295 with arginine.
Molecular consequence: missense variant.
Genome position (GRCh38, 1-based): chr12:2,934,520, G>A. VCF-style: chr12-2934520-G-A. GRCh37 (hg19) VCF-style: chr12-3043686-G-A.
Other names: c.883G>A, p.Gly295Arg (NM_001160408.2); short protein forms G295R.
Identifiers: ClinVar variation 4980256 (VCV004980256.1).
Genomic context (GRCh38, chr12:2,934,520, plus strand): 5'-GGGACCAAGTTTACAGTTTATGACCGTGGCATCTGCCCCATGAAGGGCCGGGGTTTGGTA[G>A]GAGCGGCCCACACCCGGCAGGAGCTGGCTGCCATCTCCTATGTGAGTGCTGCTTTCCCAG-3'
Protein context (NP_003315.2, residues 285-305): ICPMKGRGLV[Gly295Arg]AAHTRQELAA